The following is an entry in ClinVar:

ClinVar aggregate classification (germline): Uncertain significance (1 of 4 stars; one submission).

Submission:

Ambry Genetics
Classification: Uncertain significance. Last evaluated: 2022-05-11. Review status: criteria provided, single submitter. Criteria: Ambry Variant Classification Scheme 2023. Collection method: clinical testing. Allele origin: germline.
Comment: The p.P85R variant (also known as c.254C>G), located in coding exon 4 of the RAD54L gene, results from a C to G substitution at nucleotide position 254. The proline at codon 85 is replaced by arginine, an amino acid with dissimilar properties. This amino acid position is conserved. In addition, this alteration is predicted to be deleterious by in silico analysis. Since supporting evidence is limited at this time, the clinical significance of this alteration remains unclear.

NM_003579.4(RAD54L):c.254C>G (p.Pro85Arg)

Gene: RAD54L (RAD54 like; plus strand). Cytogenetic location: 1p34.1.
Variant type: single nucleotide variant.
Coding change: c.254C>G on transcript NM_003579.4 (MANE Select); coding-DNA position 254, C replaced by G.
Protein change: p.Pro85Arg; replaces proline 85 with arginine.
Molecular consequence: missense variant. On other transcripts: 5 prime UTR variant (1).
Genome position (GRCh38, 1-based): chr1:46,258,729, C>G. VCF-style: chr1-46258729-C-G. GRCh37 (hg19) VCF-style: chr1-46724401-C-G.
Other names: c.254C>G, p.Pro85Arg (NM_001142548.2); c.-287C>G (NM_001370766.1); short protein forms P85R.
Identifiers: ClinVar variation 1792927 (VCV001792927.2), dbSNP rs2525660617, ClinGen allele CA340180849.